The following is an entry in ClinVar:

ClinVar aggregate classification (germline): Uncertain significance. Review status: criteria provided, multiple submitters, no conflicts (2 of 4 stars). 2 submissions from 2 submitters: Uncertain significance (2). Last evaluated 2025-03-05.

Conditions:
Severe combined immunodeficiency due to IKK2 deficiency. Also called: Immunodeficiency 15; IMMUNODEFICIENCY 15B. Identifiers: Orphanet 397787, MedGen C4747743, MONDO:0014267, OMIM 615592.

Allele frequency attached by ClinVar (database versions not stated): gnomAD exomes 0.00001.
gnomAD v4.1: 3 of 1,614,150 alleles (0.00019%); highest among the groups gnomAD compares: Admixed American, 0.0017%; no homozygotes.

Submissions (2):

Labcorp Genetics (formerly Invitae), Labcorp
Classification: Uncertain significance for Severe combined immunodeficiency due to IKK2 deficiency. Last evaluated: 2025-03-05. Review status: criteria provided, single submitter. Criteria: Invitae Variant Classification Sherloc (09022015). Collection method: clinical testing. Allele origin: germline.
Comment: This sequence change replaces serine, which is neutral and polar, with isoleucine, which is neutral and non-polar, at codon 489 of the IKBKB protein (p.Ser489Ile). This variant is present in population databases (no rsID available, gnomAD 0.003%). This variant has not been reported in the literature in individuals affected with IKBKB-related conditions. ClinVar contains an entry for this variant (Variation ID: 802402). Invitae Evidence Modeling of protein sequence and biophysical properties (such as structural, functional, and spatial information, amino acid conservation, physicochemical variation, residue mobility, and thermodynamic stability) indicates that this missense variant is not expected to disrupt IKBKB protein function with a negative predictive value of 95%. In summary, the available evidence is currently insufficient to determine the role of this variant in disease. Therefore, it has been classified as a Variant of Uncertain Significance.

Mendelics
Classification: Uncertain significance for Severe combined immunodeficiency due to IKK2 deficiency. Last evaluated: 2019-05-28. Review status: criteria provided, single submitter. Criteria: Mendelics Assertion Criteria 2017. Collection method: clinical testing. Allele origin: unknown.

NM_001556.3(IKBKB):c.1466G>T (p.Ser489Ile)

Gene: IKBKB (inhibitor of nuclear factor kappa B kinase subunit beta; plus strand). Cytogenetic location: 8p11.21.
Variant type: single nucleotide variant.
Coding change: c.1466G>T on transcript NM_001556.3 (MANE Select); coding-DNA position 1466, G replaced by T.
Protein change: p.Ser489Ile; replaces serine 489 with isoleucine.
Molecular consequence: missense variant. On other transcripts: non-coding transcript variant (3).
Genome position (GRCh38, 1-based): chr8:42,319,371, G>T. VCF-style: chr8-42319371-G-T. GRCh37 (hg19) VCF-style: chr8-42176889-G-T.
Other names: c.1274G>T, p.Ser425Ile (NM_001190720.3); c.1289G>T, p.Ser430Ile (NM_001242778.2); short protein forms S430I, S489I, S425I.
Identifiers: ClinVar variation 802402 (VCV000802402.2), dbSNP rs1184918253, ClinGen allele CA371090490.